The following is an entry in ClinVar:

NM_053025.4(MYLK):c.2381T>A (p.Ile794Asn)

Gene: MYLK (myosin light chain kinase; minus strand). Cytogenetic location: 3q21.1.
Variant type: single nucleotide variant.
Coding change: c.2381T>A on transcript NM_053025.4 (MANE Select); coding-DNA position 2381, T replaced by A.
Protein change: p.Ile794Asn; replaces isoleucine 794 with asparagine.
Molecular consequence: missense variant.
Genome position (GRCh38, 1-based): chr3:123,707,763, A>T on the plus strand (T>A on the coding strand, the complement: MYLK is on the minus strand). VCF-style: chr3-123707763-A-T. GRCh37 (hg19) VCF-style: chr3-123426610-A-T.
Other names: c.1853T>A, p.Ile618Asn (NM_001321309.2); c.2174T>A, p.Ile725Asn (NM_053026.4, NM_053028.4); c.2381T>A, p.Ile794Asn (NM_053027.4); c.2381T>A (NM_053025.3); short protein forms I725N, I794N, I618N.
Identifiers: ClinVar variation 1472352 (VCV001472352.8), dbSNP rs1365992021, ClinGen allele CA354233558.

ClinVar aggregate classification (germline): Uncertain significance. Review status: criteria provided, multiple submitters, no conflicts (2 of 4 stars). 2 submissions from 2 submitters: Uncertain significance (2). Last evaluated 2025-11-07.

Conditions:
Aortic aneurysm, familial thoracic 7 (AAT7). Also called: AORTIC DISSECTION, FAMILIAL, WITH OR WITHOUT AORTIC ANEURYSM. Identifiers: MedGen C3151077, MONDO:0013418, OMIM 613780.
Familial thoracic aortic aneurysm and aortic dissection (TAAD). Also called: Thoracic aortic aneurysms and dissections. Identifiers: Orphanet 91387, MedGen C4707243, MONDO:0019625.

gnomAD v4.1: 5 of 1,614,194 alleles (0.00031%); highest among the groups gnomAD compares: Non-Finnish European, 0.00042%; no homozygotes.

Submissions (2):

Ambry Genetics
Classification: Uncertain significance for Familial thoracic aortic aneurysm and aortic dissection. Last evaluated: 2025-11-07. Review status: criteria provided, single submitter. Criteria: Ambry Variant Classification Scheme 2023. Collection method: clinical testing. Allele origin: germline.
Comment: The p.I794N variant (also known as c.2381T>A), located in coding exon 13 of the MYLK gene, results from a T to A substitution at nucleotide position 2381. The isoleucine at codon 794 is replaced by asparagine, an amino acid with dissimilar properties. This amino acid position is conserved. In addition, the in silico prediction for this alteration is inconclusive. Based on the available evidence, the clinical significance of this variant remains unclear.

Labcorp Genetics (formerly Invitae), Labcorp
Classification: Uncertain significance for Aortic aneurysm, familial thoracic 7. Last evaluated: 2021-03-14. Review status: criteria provided, single submitter. Criteria: Invitae Variant Classification Sherloc (09022015). Collection method: clinical testing. Allele origin: germline.
Comment: This sequence change replaces isoleucine with asparagine at codon 794 of the MYLK protein (p.Ile794Asn). The isoleucine residue is highly conserved and there is a large physicochemical difference between isoleucine and asparagine. This variant is not present in population databases (ExAC no frequency). This variant has not been reported in the literature in individuals with MYLK-related conditions. Advanced modeling of protein sequence and biophysical properties (such as structural, functional, and spatial information, amino acid conservation, physicochemical variation, residue mobility, and thermodynamic stability) performed at Invitae indicates that this missense variant is not expected to disrupt MYLK protein function. In summary, the available evidence is currently insufficient to determine the role of this variant in disease. Therefore, it has been classified as a Variant of Uncertain Significance.